The following is an entry in ClinVar:

NM_000059.4(BRCA2):c.9649-12T>G

Gene: BRCA2 (BRCA2 DNA repair associated; plus strand). Cytogenetic location: 13q13.1.
Variant type: single nucleotide variant.
Coding change: c.9649-12T>G on transcript NM_000059.4 (MANE Select); 12 bases into the intron before coding-DNA position 9649, T replaced by G.
Molecular consequence: intron variant.
Genome position (GRCh38, 1-based): chr13:32,398,150, T>G. VCF-style: chr13-32398150-T-G. GRCh37 (hg19) VCF-style: chr13-32972287-T-G.
Identifiers: ClinVar variation 1767664 (VCV001767664.2), dbSNP rs2137662441, ClinGen allele CA2580087428.
Genomic context (GRCh38, chr13:32,398,150, plus strand): 5'-AAAAGTTACTTTGATTTAGTTTTTTATGTTACTACATAATTATGATAGGCTACGTTTTCA[T>G]TTTTTTATCAGATGTCTTCTCCTAATTGTGAGATATATTATCAAAGTCCTTTATCACTTT-3'

ClinVar aggregate classification (germline): Likely pathogenic (1 of 4 stars; one submission).

Conditions:
Hereditary cancer-predisposing syndrome. Also called: Hereditary Cancer Syndrome; Hereditary neoplastic syndrome; Neoplastic Syndromes, Hereditary; Tumor predisposition. Identifiers: Orphanet 140162, MedGen C0027672, MeSH D009386, MONDO:0015356.

Submission:

Ambry Genetics
Classification: Likely pathogenic for Hereditary cancer-predisposing syndrome. Last evaluated: 2021-09-13. Review status: criteria provided, single submitter. Criteria: Ambry Variant Classification Scheme 2023. Collection method: clinical testing. Allele origin: germline.
Comment: The c.9649-12T>G intronic variant results from a T to G substitution 12 nucleotides upstream from coding exon 26 in the BRCA2 gene. This nucleotide position is not well conserved in available vertebrate species. In silico splice site analysis predicts that this alteration will weaken the native splice acceptor site and may result in the creation or strengthening of a novel splice acceptor site. RNA studies have demonstrated that this alteration results in abnormal splicing in the set of samples tested (Ambry internal data). Based on the majority of available evidence to date, this variant is likely to be pathogenic.